The following is an entry in ClinVar:

NM_007294.4(BRCA1):c.3560G>A (p.Ser1187Asn)

Genes: BRCA1 (BRCA1 DNA repair associated; minus strand), LOC126862571 (BRD4-independent group 4 enhancer GRCh37_chr17:41243136-41244335; plus strand). Cytogenetic location: 17q21.31.
Variant type: single nucleotide variant.
Coding change: c.3560G>A on transcript NM_007294.4 (MANE Select); coding-DNA position 3560, G replaced by A.
Protein change: p.Ser1187Asn; replaces serine 1187 with asparagine.
Molecular consequence: missense variant. On other transcripts: intron variant (135).
Genome position (GRCh38, 1-based): chr17:43,091,971, C>T on the plus strand (G>A on the coding strand, the complement: BRCA1 is on the minus strand). VCF-style: chr17-43091971-C-T. GRCh37 (hg19) VCF-style: chr17-41243988-C-T.
Other names: c.3347G>A, p.Ser1116Asn (NM_001407571.1, NM_001407853.1, NM_001407894.1 and 9 more transcripts); c.3560G>A, p.Ser1187Asn (NM_001407581.1, NM_001407582.1, NM_001407583.1 and 30 more transcripts); c.3557G>A, p.Ser1186Asn (NM_001407587.1, NM_001407590.1, NM_001407591.1 and 22 more transcripts); c.3551G>A, p.Ser1184Asn (NM_001407646.1, NM_001407647.1); c.3437G>A, p.Ser1146Asn (NM_001407648.1, NM_001407664.1, NM_001407665.1 and 19 more transcripts); c.3434G>A, p.Ser1145Asn (NM_001407649.1, NM_001407670.1, NM_001407671.1 and 11 more transcripts); c.3482G>A, p.Ser1161Asn (NM_001407653.1, NM_001407654.1, NM_001407655.1 and 4 more transcripts); c.3479G>A, p.Ser1160Asn (NM_001407659.1, NM_001407660.1, NM_001407661.1 and 1 more transcripts); and 41 more; short protein forms S1187N, S1140N, S1019N, S1160N, S319N, S1076N, S1139N, S1146N.
Identifiers: ClinVar variation 54917 (VCV000054917.29), dbSNP rs80356975, ClinGen allele CA002275.

ClinVar aggregate classification (germline): Conflicting classifications of pathogenicity. Review status: criteria provided, conflicting classifications (1 of 4 stars). 8 submissions from 8 submitters: Uncertain significance (5); Likely benign (2). 1 of the submissions does not count toward it. Last evaluated 2025-12-10.

Conditions:
Hereditary cancer-predisposing syndrome. Also called: Hereditary Cancer Syndrome; Hereditary neoplastic syndrome; Neoplastic Syndromes, Hereditary; Tumor predisposition. Identifiers: Orphanet 140162, MedGen C0027672, MeSH D009386, MONDO:0015356.
Breast-ovarian cancer, familial, susceptibility to, 1 (BROVCA1). Also called: BRCA1 Hereditary Breast and Ovarian Cancer; OVARIAN CANCER, SUSCEPTIBILITY TO. Identifiers: Orphanet 145, MedGen C2676676, MONDO:0011450, OMIM 604370. Disease mechanism: loss of function.
Hereditary breast ovarian cancer syndrome. Also called: BRCA1- and BRCA2-Associated Hereditary Breast and Ovarian Cancer; Hereditary breast and ovarian cancer syndrome; Hereditary breast and ovarian cancer syndrome (HBOC); Breast and ovarian cancer; Hereditary breast and/or ovarian cancer syndrome; Hereditary breast and ovarian cancer. Identifiers: Orphanet 145, MedGen C0677776, MeSH D061325, MONDO:0003582. Disease mechanism: loss of function.

Allele frequency attached by ClinVar (database versions not stated): ExAC 0.00002; gnomAD exomes 0.00002 and 0.00001; TOPMed 0.00002; gnomAD 0.00001.
gnomAD v4.1: 6 of 1,614,004 alleles (0.00037%); highest among the groups gnomAD compares: Admixed American, 0.005%; no homozygotes.

Submissions (8):

Labcorp Genetics (formerly Invitae), Labcorp
Classification: Uncertain significance for Hereditary breast ovarian cancer syndrome. Last evaluated: 2025-12-10. Review status: criteria provided, single submitter. Criteria: Invitae Variant Classification Sherloc (09022015). Collection method: clinical testing. Allele origin: germline.
Comment: This sequence change replaces serine, which is neutral and polar, with asparagine, which is neutral and polar, at codon 1187 of the BRCA1 protein (p.Ser1187Asn). This variant is present in population databases (rs80356975, gnomAD 0.009%). This missense change has been observed in individual(s) with breast cancer and breast cancer and abdominal wall sarcoma (PMID: 21810505, 30287823). This variant is also known as c.3679G>A. ClinVar contains an entry for this variant (Variation ID: 54917). Invitae Evidence Modeling of protein sequence and biophysical properties (such as structural, functional, and spatial information, amino acid conservation, physicochemical variation, residue mobility, and thermodynamic stability) indicates that this missense variant is not expected to disrupt BRCA1 protein function with a negative predictive value of 80%. In summary, the available evidence is currently insufficient to determine the role of this variant in disease. Therefore, it has been classified as a Variant of Uncertain Significance.

Women's Health and Genetics/Laboratory Corporation of America, LabCorp
Classification: Uncertain significance. Last evaluated: 2025-01-24. Review status: criteria provided, single submitter. Criteria: LabCorp Variant Classification Summary - May 2015. Collection method: clinical testing. Allele origin: germline.
Comment: Variant summary: BRCA1 c.3560G>A (p.Ser1187Asn) results in a conservative amino acid change in the encoded protein sequence. Five of five in-silico tools predict a benign effect of the variant on protein function. The variant allele was found at a frequency of 2.4e-05 in 251912 control chromosomes. The available data on variant occurrences in the general population are insufficient to allow any conclusion about variant significance. c.3560G>A has been reported in the literature in multiple individuals affected with breast cancer (e.g., Lee_2008, Miller-Samuel_2011, Schenkel_2016, Momozawa_2018). These report(s) do not provide unequivocal conclusions about association of the variant with Hereditary Breast And Ovarian Cancer Syndrome. This variant has also been identified in the literature in at least one control individuals (e.g., Ackay_2021). To our knowledge, no experimental evidence demonstrating an impact on protein function has been reported. The following publications have been ascertained in the context of this evaluation (PMID: 18284688, 21810505, 15385441, 27376475, 30287823, 32658311). ClinVar contains an entry for this variant (Variation ID: 54917). Based on the evidence outlined above, the variant was classified as uncertain significance.

Ambry Genetics
Classification: Uncertain significance for Hereditary cancer-predisposing syndrome. Last evaluated: 2024-09-12. Review status: criteria provided, single submitter. Criteria: Ambry Variant Classification Scheme 2023. Collection method: clinical testing. Allele origin: germline.
Comment: The p.S1187N variant (also known as c.3560G>A), located in coding exon 9 of the BRCA1 gene, results from a G to A substitution at nucleotide position 3560. The serine at codon 1187 is replaced by asparagine, an amino acid with highly similar properties. This alteration was identified in a population-based study of early-onset breast cancer diagnoses (Lee E et al. Breast Cancer Res. 2008 Feb;10:R19). This alteration was also observed in 1/7,051 unselected female breast cancer patients and was not observed in 11,241 female controls of Japanese ancestry (Momozawa Y et al. Nat Commun. 2018 10;9:4083). This alteration was seen in 1/732 breast cancer patients, 0/189 colorectal cancer patients and 0/490 cancer-free elderly controls in a Turkish population (Akcay IM et al. Int J Cancer. 2021 01;148:285-295). This amino acid position is not well conserved in available vertebrate species. In addition, the in silico prediction for this alteration is inconclusive. Since supporting evidence is limited at this time, the clinical significance of this alteration remains unclear.

GeneDx
Classification: Uncertain significance. Last evaluated: 2024-07-12. Review status: criteria provided, single submitter. Criteria: GeneDx Variant Classification Process June 2021. Collection method: clinical testing. Allele origin: germline. Affected: yes.
Comment: Observed in individuals with personal or family history of breast and/or ovarian cancer, as well as in unaffected controls (PMID: 30287823, 27376475, 21810505, 32658311, 18284688); In silico analysis supports that this missense variant does not alter protein structure/function; Also known as 3679G>A; Not observed at significant frequency in large population cohorts (gnomAD); This variant is associated with the following publications: (PMID: 21810505, 27376475, 30287823, 15385441, 32377563, 31131967, 29884841, 31853058, 32658311, 18284688)

Quest Diagnostics Nichols Institute San Juan Capistrano
Classification: Uncertain significance. Last evaluated: 2023-08-14. Review status: criteria provided, single submitter. Criteria: Quest Diagnostics criteria. Collection method: clinical testing. Allele origin: unknown.
Comment: In the published literature, this variant has been reported in individuals/families with breast cancer (PMID: 30287823 (2018), 21810505 (2011), 18284688 (2008)). In addition, this variant is located in a region of the BRCA1 gene that is tolerant to missense sequence changes (PMID: 31911673 (2020)). The frequency of this variant in the general population, 0.000087 (3/34524 chromosomes (Genome Aggregation Database)), is uninformative in the assessment of its pathogenicity. Analysis of this variant using bioinformatics tools for the prediction of the effect of amino acid changes on protein structure and function yielded predictions that this variant is benign. Based on the available information, we are unable to determine the clinical significance of this variant.

University of Washington Department of Laboratory Medicine, University of Washington
Classification: Likely benign for Hereditary cancer-predisposing syndrome. Last evaluated: 2023-03-23. Review status: criteria provided, single submitter. Criteria: Dines et al. (Genet Med. 2020). Collection method: curation. Allele origin: germline.
Comment: Missense variant in a coldspot region where missense variants are very unlikely to be pathogenic (PMID:31911673).

BRCA1 coldspot (exon 11 using historical exon numbering). Reclassification based on statistical prior probability

Color Diagnostics, LLC DBA Color Health
Classification: Likely benign for Hereditary cancer-predisposing syndrome. Last evaluated: 2016-08-06. Review status: criteria provided, single submitter. Criteria: ACMG Guidelines, 2015. Collection method: clinical testing. Allele origin: germline.

Breast Cancer Information Core (BIC) (BRCA1)
Classification: Uncertain significance for Breast-ovarian cancer, familial 1. Last evaluated: 2003-12-23. Review status: no assertion criteria provided. Collection method: clinical testing. Allele origin: germline. Affected: yes. Observed: 1 variant allele. Not counted in ClinVar's aggregate classification.

Literature cited by the submitters: PubMed 21810505 (cited by 3 submitters); PubMed 30287823 (cited by 4 submitters); PubMed 15385441 (cited by Women's Health and Genetics/Laboratory Corporation of America, LabCorp and Quest Diagnostics Nichols Institute San Juan Capistrano); PubMed 18284688 (cited by 3 submitters); PubMed 27376475 (cited by Women's Health and Genetics/Laboratory Corporation of America, LabCorp and Quest Diagnostics Nichols Institute San Juan Capistrano); PubMed 32658311 (cited by 3 submitters); PubMed 23704879 (cited by Quest Diagnostics Nichols Institute San Juan Capistrano); PubMed 31911673 (cited by Quest Diagnostics Nichols Institute San Juan Capistrano).